The following is an entry in ClinVar:

NM_024809.5(TCTN2):c.1402G>A (p.Gly468Ser)

Gene: TCTN2 (tectonic family member 2; plus strand). Cytogenetic location: 12q24.31.
Variant type: single nucleotide variant.
Coding change: c.1402G>A on transcript NM_024809.5 (MANE Select); coding-DNA position 1402, G replaced by A.
Protein change: p.Gly468Ser; replaces glycine 468 with serine.
Molecular consequence: missense variant.
Genome position (GRCh38, 1-based): chr12:123,697,095, G>A. VCF-style: chr12-123697095-G-A. GRCh37 (hg19) VCF-style: chr12-124181642-G-A.
Other names: c.1399G>A, p.Gly467Ser (NM_001143850.3); c.1402G>A (NM_024809.3); short protein forms G468S, G467S.
Identifiers: ClinVar variation 1502785 (VCV001502785.9), dbSNP rs148262537, ClinGen allele CA6861217.
Genomic context (GRCh38, chr12:123,697,095, plus strand): 5'-TTTACTTTTGTTTAGCAAAAAGTAGCAAGAGGATAATCTTTTTCTTTTATAGCTGGAAGG[G>A]GTCTGTGTACATCAGCAACTTTCAAACCCATTTTATTTGGAGAAAATGTACTCTCTGGAT-3'
Protein context (NP_079085.2, residues 458-478): TLHLWQSAGR[Gly468Ser]LCTSATFKPI

ClinVar aggregate classification (germline): Uncertain significance. Review status: criteria provided, multiple submitters, no conflicts (2 of 4 stars). 3 submissions from 3 submitters: Uncertain significance (3). Last evaluated 2024-06-08.

Conditions:
Joubert syndrome 24 (JBTS24). Identifiers: Orphanet 475, MedGen C4084841, MONDO:0014724, OMIM 616654.
Meckel syndrome, type 8. Identifiers: Orphanet 564, MedGen C3836857, MONDO:0013482, OMIM 613885.
Inborn genetic diseases. Identifiers: MedGen C0950123, MeSH D030342.
Meckel-Gruber syndrome. Also called: DYSENCEPHALIA SPLANCHNOCYSTICA; GRUBER SYNDROME; Dysencephalia splachnocystica. Identifiers: Orphanet 564, MedGen C0265215, MONDO:0018921.
Joubert syndrome. Also called: CEREBELLOPARENCHYMAL DISORDER IV; JOUBERT-BOLTSHAUSER SYNDROME; Familial aplasia of the vermis. Identifiers: Orphanet 475, MedGen C5979921, MONDO:0018772.

Allele frequency attached by ClinVar (database versions not stated): ExAC 0.00002; gnomAD 0.00003 and 0.00004; gnomAD exomes 0.00003; TOPMed 0.00003; ESP Exome Variant Server 0.00008.
gnomAD v4.1: 51 of 1,612,750 alleles (0.0032%); highest among the groups gnomAD compares: Non-Finnish European, 0.0041%; no homozygotes.

Submissions (3):

Fulgent Genetics
Classification: Uncertain significance for Meckel syndrome, type 8; Joubert syndrome 24. Last evaluated: 2024-06-08. Review status: criteria provided, single submitter. Criteria: ACMG Guidelines, 2015. Collection method: clinical testing. Allele origin: germline.

Ambry Genetics
Classification: Uncertain significance for Inborn genetic diseases. Last evaluated: 2022-11-17. Review status: criteria provided, single submitter. Criteria: Ambry Variant Classification Scheme 2023. Collection method: clinical testing. Allele origin: germline.

Labcorp Genetics (formerly Invitae), Labcorp
Classification: Uncertain significance for Joubert syndrome; Meckel-Gruber syndrome. Last evaluated: 2022-11-01. Review status: criteria provided, single submitter. Criteria: Invitae Variant Classification Sherloc (09022015). Collection method: clinical testing. Allele origin: germline.
Comment: This sequence change replaces glycine, which is neutral and non-polar, with serine, which is neutral and polar, at codon 468 of the TCTN2 protein (p.Gly468Ser). This variant is present in population databases (rs148262537, gnomAD 0.006%). This variant has not been reported in the literature in individuals affected with TCTN2-related conditions. ClinVar contains an entry for this variant (Variation ID: 1502785). Advanced modeling of protein sequence and biophysical properties (such as structural, functional, and spatial information, amino acid conservation, physicochemical variation, residue mobility, and thermodynamic stability) performed at Invitae indicates that this missense variant is not expected to disrupt TCTN2 protein function. In summary, the available evidence is currently insufficient to determine the role of this variant in disease. Therefore, it has been classified as a Variant of Uncertain Significance.